The following is an entry in ClinVar:

ClinVar aggregate classification (germline): Uncertain significance. Review status: criteria provided, multiple submitters, no conflicts (2 of 4 stars). 2 submissions from 2 submitters: Uncertain significance (2). Last evaluated 2023-07-25.

Conditions:
Ehlers-Danlos syndrome, type 4 (EDSVASC). Also called: Ehlers-Danlos Syndrome Type IV; Ehlers-Danlos syndrome vascular type; Ehlers Danlos syndrome, ecchymotic type; Ehlers Danlos syndrome, arterial type; Ehlers Danlos syndrome, Sack-Barabas type. Identifiers: Orphanet 286, MedGen C0268338, MONDO:0017314, OMIM 130050.

Submissions (2):

Labcorp Genetics (formerly Invitae), Labcorp
Classification: Uncertain significance for Ehlers-Danlos syndrome, type 4. Last evaluated: 2023-07-25. Review status: criteria provided, single submitter. Criteria: Invitae Variant Classification Sherloc (09022015). Collection method: clinical testing. Allele origin: germline.
Comment: In summary, the available evidence is currently insufficient to determine the role of this variant in disease. Therefore, it has been classified as a Variant of Uncertain Significance. Advanced modeling of protein sequence and biophysical properties (such as structural, functional, and spatial information, amino acid conservation, physicochemical variation, residue mobility, and thermodynamic stability) performed at Invitae indicates that this missense variant is not expected to disrupt COL3A1 protein function. ClinVar contains an entry for this variant (Variation ID: 333062). This variant has not been reported in the literature in individuals affected with COL3A1-related conditions. This variant is not present in population databases (gnomAD no frequency). This sequence change replaces proline, which is neutral and non-polar, with leucine, which is neutral and non-polar, at codon 905 of the COL3A1 protein (p.Pro905Leu).

Illumina Laboratory Services, Illumina
Classification: Uncertain significance for Ehlers-Danlos syndrome, type 4. Last evaluated: 2018-01-13. Review status: criteria provided, single submitter. Criteria: ICSL Variant Classification Criteria 13 December 2019. Collection method: clinical testing. Allele origin: germline.

NM_000090.4(COL3A1):c.2714C>T (p.Pro905Leu)

Gene: COL3A1 (collagen type III alpha 1 chain; plus strand). Cytogenetic location: 2q32.2.
Variant type: single nucleotide variant.
Coding change: c.2714C>T on transcript NM_000090.4 (MANE Select); coding-DNA position 2714, C replaced by T.
Protein change: p.Pro905Leu; replaces proline 905 with leucine.
Molecular consequence: missense variant.
Genome position (GRCh38, 1-based): chr2:189,004,034, C>T. VCF-style: chr2-189004034-C-T. GRCh37 (hg19) VCF-style: chr2-189868760-C-T.
Other names: short protein forms P905L.
Identifiers: ClinVar variation 333062 (VCV000333062.8), dbSNP rs886055333, ClinGen allele CA10612164.